The following is an entry in ClinVar:

NM_000718.4(CACNA1B):c.967-8G>A

Gene: CACNA1B (calcium voltage-gated channel subunit alpha1 B; plus strand). Cytogenetic location: 9q34.3.
Variant type: single nucleotide variant.
Coding change: c.967-8G>A on transcript NM_000718.4 (MANE Select); 8 bases into the intron before coding-DNA position 967, G replaced by A.
Molecular consequence: intron variant.
Genome position (GRCh38, 1-based): chr9:137,952,266, G>A. VCF-style: chr9-137952266-G-A. GRCh37 (hg19) VCF-style: chr9-140846718-G-A.
Other names: c.967-8G>A (NM_001243812.2).
Identifiers: ClinVar variation 774891 (VCV000774891.47), dbSNP rs78177919, ClinGen allele CA5376009.

ClinVar aggregate classification (germline): Conflicting classifications of pathogenicity. Review status: criteria provided, conflicting classifications (1 of 4 stars). 5 submissions from 5 submitters: Uncertain significance (1); Benign (1); Likely benign (3). Last evaluated 2026-09-01.

Conditions:
Neurodevelopmental disorder with seizures and nonepileptic hyperkinetic movements. Identifiers: MedGen C5193128, MONDO:0032784, OMIM 618497.

Allele frequency attached by ClinVar (database versions not stated): 1000 Genomes Project 0.00160; 1000 Genomes Project 30x 0.00187; gnomAD 0.00254 and 0.00263; gnomAD exomes 0.00306; TOPMed 0.00308; ESP Exome Variant Server 0.00330.
gnomAD v4.1: 6,369 of 1,612,182 alleles (0.4%); highest among the groups gnomAD compares: Middle Eastern, 0.56%; 18 homozygotes.

Submissions (5):

CeGaT Center for Human Genetics Tuebingen
Classification: Likely benign. Last evaluated: 2026-09-01. Review status: criteria provided, single submitter. Criteria: CeGaT Center For Human Genetics Tuebingen Variant Classification Criteria Version 2. Collection method: clinical testing. Allele origin: germline. Affected: yes. Observed: 22 variant alleles.
Comment: CACNA1B: BP4, BS2

Labcorp Genetics (formerly Invitae), Labcorp
Classification: Benign. Last evaluated: 2026-02-03. Review status: criteria provided, single submitter. Criteria: Invitae Variant Classification Sherloc (09022015). Collection method: clinical testing. Allele origin: germline.

Blueprint Genetics
Classification: Likely benign. Last evaluated: 2024-11-23. Review status: criteria provided, single submitter. Criteria: ACMG Guidelines, 2015. Collection method: clinical testing. Allele origin: germline.

GeneDx
Classification: Likely benign. Last evaluated: 2021-05-10. Review status: criteria provided, single submitter. Criteria: GeneDx Variant Classification Process June 2021. Collection method: clinical testing. Allele origin: germline. Affected: yes.

Institute of Human Genetics, University of Leipzig Medical Center
Classification: Uncertain significance for Neurodevelopmental disorder with seizures and nonepileptic hyperkinetic movements. Last evaluated: 2019-01-01. Review status: criteria provided, single submitter. Criteria: ACMG Guidelines, 2015. Collection method: clinical testing. Allele origin: unknown. Affected: yes.